The following is an entry in ClinVar:

ClinVar aggregate classification (germline): Uncertain significance (1 of 4 stars; one submission).

Conditions:
Familial hemiplegic migraine. Identifiers: MedGen C0338484, MONDO:0000700.

gnomAD v4.1: 2 of 1,614,258 alleles (0.00012%); highest among the groups gnomAD compares: Non-Finnish European, 0.00017%; no homozygotes.

Submission:

Labcorp Genetics (formerly Invitae), Labcorp
Classification: Uncertain significance for Familial hemiplegic migraine. Last evaluated: 2025-04-14. Review status: criteria provided, single submitter. Criteria: Invitae Variant Classification Sherloc (09022015). Collection method: clinical testing. Allele origin: germline.
Comment: This sequence change replaces alanine, which is neutral and non-polar, with valine, which is neutral and non-polar, at codon 642 of the ATP1A2 protein (p.Ala642Val). This variant is not present in population databases (gnomAD no frequency). This variant has not been reported in the literature in individuals affected with ATP1A2-related conditions. ClinVar contains an entry for this variant (Variation ID: 3683610). Invitae Evidence Modeling of protein sequence and biophysical properties (such as structural, functional, and spatial information, amino acid conservation, physicochemical variation, residue mobility, and thermodynamic stability) has been performed for this missense variant. However, the output from this modeling did not meet the statistical confidence thresholds required to predict the impact of this variant on ATP1A2 protein function. In summary, the available evidence is currently insufficient to determine the role of this variant in disease. Therefore, it has been classified as a Variant of Uncertain Significance.

NM_000702.4(ATP1A2):c.1925C>T (p.Ala642Val)

Gene: ATP1A2 (ATPase Na+/K+ transporting subunit alpha 2; plus strand). Cytogenetic location: 1q23.2.
Variant type: single nucleotide variant.
Coding change: c.1925C>T on transcript NM_000702.4 (MANE Select); coding-DNA position 1925, C replaced by T.
Protein change: p.Ala642Val; replaces alanine 642 with valine.
Molecular consequence: missense variant.
Genome position (GRCh38, 1-based): chr1:160,134,581, C>T. VCF-style: chr1-160134581-C-T. GRCh37 (hg19) VCF-style: chr1-160104371-C-T.
Other names: short protein forms A642V.
Identifiers: ClinVar variation 3683610 (VCV003683610.2).